The following is an entry in ClinVar:

NM_002691.4(POLD1):c.1324G>A (p.Gly442Ser)

Gene: POLD1 (DNA polymerase delta 1, catalytic subunit; plus strand). Cytogenetic location: 19q13.33.
Variant type: single nucleotide variant.
Coding change: c.1324G>A on transcript NM_002691.4 (MANE Select); coding-DNA position 1324, G replaced by A.
Protein change: p.Gly442Ser; replaces glycine 442 with serine.
Molecular consequence: missense variant. On other transcripts: non-coding transcript variant (1).
Genome position (GRCh38, 1-based): chr19:50,406,263, G>A. VCF-style: chr19-50406263-G-A. GRCh37 (hg19) VCF-style: chr19-50909520-G-A.
Other names: c.1324G>A, p.Gly442Ser (NM_001256849.1, NM_001308632.1); short protein forms G442S.
Identifiers: ClinVar variation 1394895 (VCV001394895.8), dbSNP rs776538587, ClinGen allele CA9596108.
Genomic context (GRCh38, chr19:50,406,263, plus strand): 5'-GGCCGTGTGGCCGGCCTTTGCTCCAACATCCGGGACTCTTCATTCCAGTCCAAGCAGACG[G>A]GCCGGCGGGACACCAAGGTTGTCAGCATGGTGGGCCGCGTGCAGATGGACATGCTGCAGG-3'
Protein context (NP_002682.2, residues 432-452): RDSSFQSKQT[Gly442Ser]RRDTKVVSMV

ClinVar aggregate classification (germline): Uncertain significance (1 of 4 stars; one submission).

Conditions:
POLD1-related polyposis and colorectal cancer syndrome (CRCS10). Also called: Colorectal cancer, susceptibility to, 10; Colorectal cancer 10; COLORECTAL CANCER, SUSCEPTIBILITY TO, ON CHROMOSOME 19q. Identifiers: Orphanet 220460, MedGen C2675481, MONDO:0012953, OMIM 612591.

Allele frequency attached by ClinVar (database versions not stated): gnomAD exomes 0.00001 and below 0.00001; ExAC 0.00001.
gnomAD v4.1: 3 of 1,613,998 alleles (0.00019%); highest among the groups gnomAD compares: Non-Finnish European, 0.00025%; no homozygotes.

Submission:

Labcorp Genetics (formerly Invitae), Labcorp
Classification: Uncertain significance for POLD1-related polyposis and colorectal cancer syndrome. Last evaluated: 2020-12-04. Review status: criteria provided, single submitter. Criteria: Invitae Variant Classification Sherloc (09022015). Collection method: clinical testing. Allele origin: germline.
Comment: Algorithms developed to predict the effect of missense changes on protein structure and function are either unavailable or do not agree on the potential impact of this missense change (SIFT: "Deleterious"; PolyPhen-2: "Probably Damaging"; Align-GVGD: "Class C0"). In summary, the available evidence is currently insufficient to determine the role of this variant in disease. Therefore, it has been classified as a Variant of Uncertain Significance. This variant has not been reported in the literature in individuals with POLD1-related conditions. This sequence change replaces glycine with serine at codon 442 of the POLD1 protein (p.Gly442Ser). The glycine residue is highly conserved and there is a small physicochemical difference between glycine and serine. This variant is present in population databases (rs776538587, ExAC 0.002%).